The following is an entry in ClinVar:

NM_005660.3(SLC35A2):c.702C>T (p.Arg234=)

Gene: SLC35A2 (solute carrier family 35 member A2; minus strand). Cytogenetic location: Xp11.23.
Variant type: single nucleotide variant.
Coding change: c.702C>T on transcript NM_005660.3 (MANE Select); coding-DNA position 702, C replaced by T.
Protein change: p.Arg234=; no amino-acid change (arginine 234 retained).
Molecular consequence: synonymous variant. On other transcripts: intron variant (3).
Genome position (GRCh38, 1-based): chrX:48,905,207, G>A on the plus strand (C>T on the coding strand, the complement: SLC35A2 is on the minus strand). VCF-style: chrX-48905207-G-A. GRCh37 (hg19) VCF-style: chrX-48762484-G-A.
Other names: c.702C>T, p.Arg234= (NM_001042498.3); c.519C>T, p.Arg173= (NM_001282649.2); c.741C>T, p.Arg247= (NM_001282650.2); c.786C>T, p.Arg262= (NM_001282651.2); c.427-315C>T (NM_001282647.2, NM_001032289.3); c.355-315C>T (NM_001282648.2).
Identifiers: ClinVar variation 2850247 (VCV002850247.25), dbSNP rs782659979, ClinGen allele CA10406104.

ClinVar aggregate classification (germline): Likely benign. Review status: criteria provided, multiple submitters, no conflicts (2 of 4 stars). 2 submissions from 2 submitters: Likely benign (2). Last evaluated 2024-01-01.

Conditions:
SLC35A2-congenital disorder of glycosylation. Also called: CONGENITAL DISORDER OF GLYCOSYLATION, TYPE IIm, SOMATIC MOSAIC; CONGENITAL DISORDER OF GLYCOSYLATION, TYPE IIm; CDG IIm; DEVELOPMENTAL AND EPILEPTIC ENCEPHALOPATHY 22; EPILEPTIC ENCEPHALOPATHY, EARLY INFANTILE, 22; SLC35A2-CDG. Identifiers: Orphanet 356961, MedGen C3806688, MONDO:0010478, OMIM 300896.

Allele frequency attached by ClinVar (database versions not stated): gnomAD exomes below 0.00001; TOPMed 0.00001; ExAC 0.00003.

Submissions (2):

CeGaT Center for Human Genetics Tuebingen
Classification: Likely benign. Last evaluated: 2024-01-01. Review status: criteria provided, single submitter. Criteria: CeGaT Center For Human Genetics Tuebingen Variant Classification Criteria Version 2. Collection method: clinical testing. Allele origin: germline. Affected: yes. Observed: 1 variant allele.
Comment: SLC35A2: BP4, BP7

Labcorp Genetics (formerly Invitae), Labcorp
Classification: Likely benign for SLC35A2-congenital disorder of glycosylation. Last evaluated: 2023-06-20. Review status: criteria provided, single submitter. Criteria: Invitae Variant Classification Sherloc (09022015). Collection method: clinical testing. Allele origin: germline.